The following is an entry in ClinVar:

NM_001283009.2(RTEL1):c.1236A>G (p.Pro412=)

Genes: RTEL1-TNFRSF6B (RTEL1-TNFRSF6B readthrough (NMD candidate); plus strand), RTEL1 (regulator of telomere elongation helicase 1; plus strand). Cytogenetic location: 20q13.33.
Variant type: single nucleotide variant.
Coding change: c.1236A>G on transcript NM_001283009.2 (MANE Select); coding-DNA position 1236, A replaced by G.
Protein change: p.Pro412=; no amino-acid change (proline 412 retained).
Molecular consequence: synonymous variant. On other transcripts: non-coding transcript variant (1).
Genome position (GRCh38, 1-based): chr20:63,685,567, A>G. VCF-style: chr20-63685567-A-G. GRCh37 (hg19) VCF-style: chr20-62316920-A-G.
Other names: c.567A>G, p.Pro189= (NM_001283010.1); c.1236A>G, p.Pro412= (NM_016434.4); c.1308A>G, p.Pro436= (NM_032957.5).
Identifiers: ClinVar variation 473904 (VCV000473904.25), dbSNP rs914576910, ClinGen allele CA317505573.

ClinVar aggregate classification (germline): Likely benign. Review status: criteria provided, multiple submitters, no conflicts (2 of 4 stars). 3 submissions from 3 submitters: Likely benign (3). Last evaluated 2025-10-01.

Conditions:
Inborn genetic diseases. Identifiers: MedGen C0950123, MeSH D030342.
Dyskeratosis congenita, autosomal recessive 5 (DKCB5). Identifiers: MedGen C3554656, MONDO:0014076, OMIM 615190.
Pulmonary fibrosis and/or bone marrow failure, Telomere-related, 3. Also called: PULMONARY FIBROSIS AND/OR BONE MARROW FAILURE SYNDROME, TELOMERE-RELATED, 3. Identifiers: Orphanet 2032, MedGen C4225346, MONDO:0014613, OMIM 616373.

Allele frequency attached by ClinVar (database versions not stated): gnomAD 0.00003.

Submissions (3):

CeGaT Center for Human Genetics Tuebingen
Classification: Likely benign. Last evaluated: 2025-10-01. Review status: criteria provided, single submitter. Criteria: CeGaT Center For Human Genetics Tuebingen Variant Classification Criteria Version 2. Collection method: clinical testing. Allele origin: germline. Affected: yes. Observed: 3 variant alleles.
Comment: RTEL1: BP4, BP7

Labcorp Genetics (formerly Invitae), Labcorp
Classification: Likely benign for Dyskeratosis congenita, autosomal recessive 5; Pulmonary fibrosis and/or bone marrow failure, Telomere-related, 3. Last evaluated: 2025-09-04. Review status: criteria provided, single submitter. Criteria: Invitae Variant Classification Sherloc (09022015). Collection method: clinical testing. Allele origin: germline.

Ambry Genetics
Classification: Likely benign for Inborn genetic diseases. Last evaluated: 2024-12-14. Review status: criteria provided, single submitter. Criteria: Ambry Variant Classification Scheme 2023. Collection method: clinical testing. Allele origin: germline.